The following is an entry in ClinVar:

NM_001609.4(ACADSB):c.1128+1_1128+3del

Gene: ACADSB (acyl-CoA dehydrogenase short/branched chain; plus strand). Cytogenetic location: 10q26.13.
Variant type: Deletion.
Coding change: c.1128+1_1128+3del on transcript NM_001609.4 (MANE Select); the canonical splice donor site of the intron after coding-DNA position 1128 through 3 bases into the intron after coding-DNA position 1128, 3 bases deleted (GTA; older notation c.1128+1_1128+3delGTA).
Molecular consequence: splice donor variant.
Genome position (GRCh38, 1-based): chr10:123,051,187-123,051,189, GTA deleted. VCF-style (leftmost placement, unchanged base first): chr10-123051186-GGTA-G. GRCh37 (hg19) VCF-style: chr10-124810702-GGTA-G.
Other names: c.822+1_822+3del (NM_001330174.3).
Identifiers: ClinVar variation 1068211 (VCV001068211.2), dbSNP rs1228768873, ClinGen allele CA660966332.

ClinVar aggregate classification (germline): Likely pathogenic (1 of 4 stars; one submission).

Conditions:
Deficiency of 2-methylbutyryl-CoA dehydrogenase (ACADSB). Also called: 2-methylbutyryl-CoA dehydrogenase deficiency; SBCAD deficiency; 2-methylbutyric aciduria; Short branched-chain acyl-CoA dehydrogenase deficiency; 2-methylbutyrylglycinuria. Identifiers: Orphanet 79157, MedGen C1864912, MONDO:0012392, OMIM 610006, HP:0020147.

Allele frequency attached by ClinVar (database versions not stated): gnomAD exomes 0.00001.

Submission:

Labcorp Genetics (formerly Invitae), Labcorp
Classification: Likely pathogenic for Deficiency of 2-methylbutyryl-CoA dehydrogenase. Last evaluated: 2017-02-28. Review status: criteria provided, single submitter. Criteria: Invitae Variant Classification Sherloc (09022015). Collection method: clinical testing. Allele origin: germline.
Comment: This sequence change affects a donor splice site in intron 9 of the ACADSB gene. It is expected to disrupt RNA splicing and likely results in an absent or disrupted protein product. This variant has not been reported in the literature in individuals with a ACADSB-related disease. In summary, donor and acceptor splice site variants are typically loss-of-function (PMID: 16199547), and loss-of-function variants in ACADSB are known to be pathogenic (PMID: 20547083). However, without additional functional and/or genetic data, this variant has been classified as Likely Pathogenic.

Literature cited by the submitters: PubMed 16199547; PubMed 20547083.